The following is an entry in ClinVar:

ClinVar aggregate classification (germline): Uncertain significance (1 of 4 stars; one submission).

Conditions:
Hereditary cancer-predisposing syndrome. Also called: Neoplastic Syndromes, Hereditary; Tumor predisposition; Hereditary Cancer Syndrome; Hereditary neoplastic syndrome. Identifiers: Orphanet 140162, MedGen C0027672, MeSH D009386, MONDO:0015356.

Submission:

Ambry Genetics
Classification: Uncertain significance for Hereditary cancer-predisposing syndrome. Last evaluated: 2025-12-24. Review status: criteria provided, single submitter. Criteria: Ambry Variant Classification Scheme 2023. Collection method: clinical testing. Allele origin: germline.
Comment: The p.L521P variant (also known as c.1562T>C), located in coding exon 10 of the KIT gene, results from a T to C substitution at nucleotide position 1562. The leucine at codon 521 is replaced by proline, an amino acid with similar properties. This amino acid position is conserved. In addition, this alteration is predicted to be deleterious by in silico analysis. Based on the available evidence, the clinical significance of this variant remains unclear.

NM_000222.3(KIT):c.1562T>C (p.Leu521Pro)

Gene: KIT (KIT proto-oncogene, receptor tyrosine kinase; plus strand). Cytogenetic location: 4q12.
Variant type: single nucleotide variant.
Coding change: c.1562T>C on transcript NM_000222.3 (MANE Select); coding-DNA position 1562, T replaced by C.
Protein change: p.Leu521Pro; replaces leucine 521 with proline.
Molecular consequence: missense variant.
Genome position (GRCh38, 1-based): chr4:54,727,239, T>C. VCF-style: chr4-54727239-T-C. GRCh37 (hg19) VCF-style: chr4-55593405-T-C.
Other names: c.1550T>C, p.Leu517Pro (NM_001093772.2, NM_001385286.1); c.1565T>C, p.Leu522Pro (NM_001385284.1, NM_001385290.1); c.1562T>C, p.Leu521Pro (NM_001385285.1); c.1553T>C, p.Leu518Pro (NM_001385288.1, NM_001385292.1); short protein forms L517P, L521P, L518P, L522P.
Identifiers: ClinVar variation 4844000 (VCV004844000.1).
Genomic context (GRCh38, chr4:54,727,239, plus strand): 5'-TGCCAAAGTTTGTGATTCCACATTTCTCTTCCATTGTAGAGCAAATCCATCCCCACACCC[T>C]GTTCACTCCTTTGCTGATTGGTTTCGTAATCGTAGCTGGCATGATGTGCATTATTGTGAT-3'
Protein context (NP_000213.1, residues 511-531): NNKEQIHPHT[Leu521Pro]FTPLLIGFVI